The following is an entry in ClinVar:

ClinVar aggregate classification (germline): Uncertain significance. Review status: criteria provided, multiple submitters, no conflicts (2 of 4 stars). 3 submissions from 3 submitters: Uncertain significance (3). Last evaluated 2024-12-27.

Conditions:
Catecholaminergic polymorphic ventricular tachycardia 1. Also called: RYR2-Related Catecholaminergic Polymorphic Ventricular Tachycardia; VENTRICULAR TACHYCARDIA, CATECHOLAMINERGIC POLYMORPHIC, 1, WITH OR WITHOUT ATRIAL DYSFUNCTION AND/OR DILATED CARDIOMYOPATHY; VENTRICULAR TACHYCARDIA, STRESS-INDUCED POLYMORPHIC 1. Identifiers: Orphanet 3286, MedGen C1631597, MONDO:0011484, OMIM 604772.

Allele frequency attached by ClinVar (database versions not stated): 1000 Genomes Project 30x 0.00016; gnomAD 0.00001; 1000 Genomes Project 0.00020; ExAC 0.00001; gnomAD exomes below 0.00001.
gnomAD v4.1: 1 of 1,613,070 alleles (0.000062%); highest among the groups gnomAD compares: African/African-American, 0.0013%; no homozygotes.

Submissions (3):

GeneDx
Classification: Uncertain significance. Last evaluated: 2024-12-27. Review status: criteria provided, single submitter. Criteria: GeneDx Variant Classification Process June 2021. Collection method: clinical testing. Allele origin: germline. Affected: yes.
Comment: Not observed at significant frequency in large population cohorts (gnomAD); In silico analysis indicates that this missense variant does not alter protein structure/function; Has not been previously published as pathogenic or benign to our knowledge

Labcorp Genetics (formerly Invitae), Labcorp
Classification: Uncertain significance for Catecholaminergic polymorphic ventricular tachycardia 1. Last evaluated: 2022-07-26. Review status: criteria provided, single submitter. Criteria: Invitae Variant Classification Sherloc (09022015). Collection method: clinical testing. Allele origin: germline.
Comment: Advanced modeling of protein sequence and biophysical properties (such as structural, functional, and spatial information, amino acid conservation, physicochemical variation, residue mobility, and thermodynamic stability) performed at Invitae indicates that this missense variant is expected to disrupt RYR2 protein function. In summary, the available evidence is currently insufficient to determine the role of this variant in disease. Therefore, it has been classified as a Variant of Uncertain Significance. ClinVar contains an entry for this variant (Variation ID: 404203). This sequence change replaces valine, which is neutral and non-polar, with leucine, which is neutral and non-polar, at codon 3740 of the RYR2 protein (p.Val3740Leu). This variant is present in population databases (rs536555602, gnomAD 0.007%). This variant has not been reported in the literature in individuals affected with RYR2-related conditions.

Stanford Center for Inherited Cardiovascular Disease, Stanford University
Classification: Uncertain significance. Last evaluated: 2016-06-06. Review status: criteria provided, single submitter. Criteria: ACMG Guidelines, 2015. Collection method: provider interpretation. Allele origin: germline.

NM_001035.3(RYR2):c.11218G>T (p.Val3740Leu)

Gene: RYR2 (ryanodine receptor 2; plus strand). Cytogenetic location: 1q43.
Variant type: single nucleotide variant.
Coding change: c.11218G>T on transcript NM_001035.3 (MANE Select); coding-DNA position 11218, G replaced by T.
Protein change: p.Val3740Leu; replaces valine 3740 with leucine.
Molecular consequence: missense variant.
Genome position (GRCh38, 1-based): chr1:237,756,360, G>T. VCF-style: chr1-237756360-G-T. GRCh37 (hg19) VCF-style: chr1-237919660-G-T.
Other names: c.11218G>T, p.Val3740Leu (LRG_402t1); short protein forms V3740L.
Identifiers: ClinVar variation 404203 (VCV000404203.14), dbSNP rs536555602, ClinGen allele CA084824.